The following is an entry in ClinVar:

NM_001351132.2(PEX5):c.944_945dup (p.Thr316fs)

Gene: PEX5 (peroxisomal biogenesis factor 5; plus strand). Cytogenetic location: 12p13.31.
Variant type: Duplication.
Coding change: c.944_945dup on transcript NM_001351132.2 (MANE Select); coding-DNA positions 944 to 945, 2 bases duplicated (TT; older notation c.944_945dupTT).
Protein change: p.Thr316fs; shifts the reading frame from threonine 316.
Molecular consequence: frameshift variant.
Genome position (GRCh38, 1-based): chr12:7,203,529-7,203,530, TT duplicated. VCF-style (leftmost placement, unchanged base first): chr12-7203528-C-CTT. GRCh37 (hg19) VCF-style: chr12-7356124-C-CTT.
Other names: c.920_921dup, p.Thr308fs (NM_000319.5); c.989_990dup, p.Thr331fs (NM_001131023.2); c.833_834dup, p.Thr279fs (NM_001131024.2, NM_001351124.3, NM_001351126.2 and 7 more transcripts); c.944_945dup, p.Thr316fs (NM_001131025.2, NM_001131026.2, NM_001300789.3 and 5 more transcripts); c.878_879dup, p.Thr294fs (NM_001351135.3, NM_001351138.2); c.809_810dup, p.Thr271fs (NM_001351139.2, NM_001351140.2, NM_001374649.2); short protein forms T271fs, T331fs, T279fs, T294fs, T316fs, T308fs.
Identifiers: ClinVar variation 2177642 (VCV002177642.5), dbSNP rs751148574, ClinGen allele CA6426317.

ClinVar aggregate classification (germline): Pathogenic/Likely pathogenic. Review status: criteria provided, multiple submitters, no conflicts (2 of 4 stars). 2 submissions from 2 submitters: Pathogenic (1); Likely pathogenic (1). Last evaluated 2024-06-17.

Conditions:
Peroxisome biogenesis disorder 2A (Zellweger) (PBD2A). Also called: Cerebrohepatorenal syndrome, variant types. Identifiers: Orphanet 912, MedGen C3550273, MONDO:0008954, OMIM 214110.
Rhizomelic chondrodysplasia punctata type 5 (RCDP5). Identifiers: Orphanet 468717, MedGen C4225237, MONDO:0014743, OMIM 616716.
Peroxisome biogenesis disorder 2B (PBD2B). Identifiers: Orphanet 44, MedGen C3550234, MONDO:0008736, OMIM 202370.

Allele frequency attached by ClinVar (database versions not stated): ExAC 0.00001; gnomAD 0.00001; gnomAD exomes 0.00001.

Submissions (2):

Fulgent Genetics
Classification: Likely pathogenic for Peroxisome biogenesis disorder 2B; Peroxisome biogenesis disorder 2A (Zellweger); Rhizomelic chondrodysplasia punctata type 5. Last evaluated: 2024-06-17. Review status: criteria provided, single submitter. Criteria: ACMG Guidelines, 2015. Collection method: clinical testing. Allele origin: germline.

Labcorp Genetics (formerly Invitae), Labcorp
Classification: Pathogenic for Peroxisome biogenesis disorder 2B. Last evaluated: 2023-03-23. Review status: criteria provided, single submitter. Criteria: Invitae Variant Classification Sherloc (09022015). Collection method: clinical testing. Allele origin: germline.
Comment: For these reasons, this variant has been classified as Pathogenic. ClinVar contains an entry for this variant (Variation ID: 2177642). This variant has not been reported in the literature in individuals affected with PEX5-related conditions. This variant is present in population databases (rs751148574, gnomAD 0.0009%). This sequence change creates a premature translational stop signal (p.Thr316Leufs*73) in the PEX5 gene. It is expected to result in an absent or disrupted protein product. Loss-of-function variants in PEX5 are known to be pathogenic (PMID: 18712838, 21031596).

Literature cited by the submitters: PubMed 18712838 (cited by Labcorp Genetics (formerly Invitae), Labcorp); PubMed 21031596 (cited by Labcorp Genetics (formerly Invitae), Labcorp).